The following is an entry in ClinVar:

NM_001458.5(FLNC):c.4855G>C (p.Asp1619His)

Gene: FLNC (filamin C; plus strand). Cytogenetic location: 7q32.1.
Variant type: single nucleotide variant.
Coding change: c.4855G>C on transcript NM_001458.5 (MANE Select); coding-DNA position 4855, G replaced by C.
Protein change: p.Asp1619His; replaces aspartic acid 1619 with histidine.
Molecular consequence: missense variant.
Genome position (GRCh38, 1-based): chr7:128,848,910, G>C. VCF-style: chr7-128848910-G-C. GRCh37 (hg19) VCF-style: chr7-128488964-G-C.
Other names: c.4855G>C, p.Asp1619His (NM_001127487.2); short protein forms D1619H.
Identifiers: ClinVar variation 3895448 (VCV003895448.1).

ClinVar aggregate classification (germline): Uncertain significance (1 of 4 stars; one submission).

Conditions:
Cardiovascular phenotype. Identifiers: MedGen CN230736.

Submission:

Molecular Diagnostic Laboratory for Inherited Cardiovascular Disease, Montreal Heart Institute
Classification: Uncertain significance for Cardiovascular phenotype. Last evaluated: 2025-04-09. Review status: criteria provided, single submitter. Criteria: ACMG Guidelines, 2015. Collection method: clinical testing. Allele origin: germline. Affected: yes.
Comment: PM2, PP3